The following is an entry in ClinVar:

ClinVar aggregate classification (germline): Uncertain significance (1 of 4 stars; one submission).

Submission:

Labcorp Genetics (formerly Invitae), Labcorp
Classification: Uncertain significance. Last evaluated: 2022-12-08. Review status: criteria provided, single submitter. Criteria: Invitae Variant Classification Sherloc (09022015). Collection method: clinical testing. Allele origin: germline.
Comment: In summary, the available evidence is currently insufficient to determine the role of this variant in disease. Therefore, it has been classified as a Variant of Uncertain Significance. This variant has not been reported in the literature in individuals affected with MAST1-related conditions. This variant is not present in population databases (gnomAD no frequency). This variant, c.178_192del, results in the deletion of 5 amino acid(s) of the MAST1 protein (p.Ser60_Ser64del), but otherwise preserves the integrity of the reading frame.

NM_014975.3(MAST1):c.178_192del (p.Ser60_Ser64del)

Gene: MAST1 (microtubule associated serine/threonine kinase 1; plus strand). Cytogenetic location: 19p13.13.
Variant type: Deletion.
Coding change: c.178_192del on transcript NM_014975.3 (MANE Select); coding-DNA positions 178 to 192, 15 bases deleted (AGTCCCCTGGACAGC).
Protein change: p.Ser60_Ser64del.
Molecular consequence: inframe deletion.
Genome position (GRCh38, 1-based): chr19:12,840,996-12,841,010, AGTCCCCTGGACAGC deleted; deleting any 15 consecutive bases within chr19:12,840,992-12,841,010 gives the same sequence; the c. name uses the placement nearest the transcript's 3' end. VCF-style (leftmost placement, unchanged base first): chr19-12840991-GCAGCAGTCCCCTGGA-G. GRCh37 (hg19) VCF-style: chr19-12951805-GCAGCAGTCCCCTGGA-G.
Identifiers: ClinVar variation 2819372 (VCV002819372.3), dbSNP rs2512519045, ClinGen allele CA2739276554.